The following is an entry in ClinVar:

NM_021615.5(CHST6):c.958A>C (p.Lys320Gln)

Gene: CHST6 (carbohydrate sulfotransferase 6; minus strand). Cytogenetic location: 16q23.1.
Variant type: single nucleotide variant.
Coding change: c.958A>C on transcript NM_021615.5 (MANE Select); coding-DNA position 958, A replaced by C.
Protein change: p.Lys320Gln; replaces lysine 320 with glutamine.
Molecular consequence: missense variant.
Genome position (GRCh38, 1-based): chr16:75,478,871, T>G on the plus strand (A>C on the coding strand, the complement: CHST6 is on the minus strand). VCF-style: chr16-75478871-T-G. GRCh37 (hg19) VCF-style: chr16-75512769-T-G.
Other names: short protein forms K320Q.
Identifiers: ClinVar variation 5034600 (VCV005034600.1).

ClinVar aggregate classification (germline): Uncertain significance (1 of 4 stars; one submission).

Conditions:
Inborn genetic diseases. Identifiers: MedGen C0950123, MeSH D030342.

gnomAD v4.1: 18 of 1,613,402 alleles (0.0011%); highest among the groups gnomAD compares: Non-Finnish European, 0.0015%; no homozygotes.

Submission:

Ambry Genetics
Classification: Uncertain significance for Inborn genetic diseases. Last evaluated: 2026-08-27. Review status: criteria provided, single submitter. Criteria: Ambry Variant Classification Scheme 2023. Collection method: clinical testing. Allele origin: germline.
Comment: The c.958A>C (p.K320Q) alteration is located in exon 3 (coding exon 1) of the CHST6 gene. This alteration results from a A to C substitution at nucleotide position 958, causing the lysine (K) at amino acid position 320 to be replaced by a glutamine (Q). Based on data from gnomAD, the C allele has an overall frequency of <0.001% (1/250804) total alleles studied. The highest observed frequency was 0.001% (1/113218) of European (non-Finnish) alleles. Based on insufficient or conflicting evidence, the clinical significance of this alteration remains unclear.